The following is an entry in ClinVar:

NM_000051.4(ATM):c.2009G>C (p.Gly670Ala)

Gene: ATM (ATM serine/threonine kinase; plus strand). Cytogenetic location: 11q22.3.
Variant type: single nucleotide variant.
Coding change: c.2009G>C on transcript NM_000051.4 (MANE Select); coding-DNA position 2009, G replaced by C.
Protein change: p.Gly670Ala; replaces glycine 670 with alanine.
Molecular consequence: missense variant.
Genome position (GRCh38, 1-based): chr11:108,253,924, G>C. VCF-style: chr11-108253924-G-C. GRCh37 (hg19) VCF-style: chr11-108124651-G-C.
Other names: c.2009G>C, p.Gly670Ala (NM_001351834.2); short protein forms G670A.
Identifiers: ClinVar variation 820505 (VCV000820505.4), dbSNP rs887944555, ClinGen allele CA382537073.

ClinVar aggregate classification (germline): Uncertain significance (1 of 4 stars; one submission).

Conditions:
Hereditary cancer-predisposing syndrome. Also called: Neoplastic Syndromes, Hereditary; Tumor predisposition; Hereditary Cancer Syndrome; Hereditary neoplastic syndrome. Identifiers: Orphanet 140162, MedGen C0027672, MeSH D009386, MONDO:0015356.

Submission:

Ambry Genetics
Classification: Uncertain significance for Hereditary cancer-predisposing syndrome. Last evaluated: 2018-07-16. Review status: criteria provided, single submitter. Criteria: Ambry Variant Classification Scheme 2023. Collection method: clinical testing. Allele origin: germline.
Comment: The p.G670A variant (also known as c.2009G>C), located in coding exon 12 of the ATM gene, results from a G to C substitution at nucleotide position 2009. The glycine at codon 670 is replaced by alanine, an amino acid with similar properties. This amino acid position is poorly conserved in available vertebrate species. In addition, this alteration is predicted to be tolerated by in silico analysis. Since supporting evidence is limited at this time, the clinical significance of this alteration remains unclear.